The following is an entry in ClinVar:

NM_001004127.3(ALG11):c.1270C>G (p.Leu424Val)

Genes: ALG11 (ALG11 alpha-1,2-mannosyltransferase; plus strand), UTP14C (UTP14C small subunit processome component; plus strand). Cytogenetic location: 13q14.3.
Variant type: single nucleotide variant.
Coding change: c.1270C>G on transcript NM_001004127.3 (MANE Select); coding-DNA position 1270, C replaced by G.
Protein change: p.Leu424Val; replaces leucine 424 with valine.
Molecular consequence: missense variant. On other transcripts: non-coding transcript variant (1), 5 prime UTR variant (1).
Genome position (GRCh38, 1-based): chr13:52,028,381, C>G. VCF-style: chr13-52028381-C-G. GRCh37 (hg19) VCF-style: chr13-52602517-C-G.
Other names: c.-424C>G (NM_021645.6); c.1270C>G (NM_001004127.2); short protein forms L424V.
Identifiers: ClinVar variation 3900424 (VCV003900424.2).
Genomic context (GRCh38, chr13:52,028,381, plus strand): 5'-GTTGTGGAGTGTATGGCAGCTGGCACAATTATCCTTGCACACAATTCGGGGGGCCCAAAG[C>G]TTGACATTGTGGTTCCTCACGAAGGAGATATAACTGGCTTTCTGGCTGAGAGTGAAGAAG-3'
Protein context (NP_001004127.2, residues 414-434): ILAHNSGGPK[Leu424Val]DIVVPHEGDI

ClinVar aggregate classification (germline): Uncertain significance. Review status: criteria provided, multiple submitters, no conflicts (2 of 4 stars). 2 submissions from 2 submitters: Uncertain significance (2). Last evaluated 2025-11-13.

Conditions:
Inborn genetic diseases. Identifiers: MedGen C0950123, MeSH D030342.

gnomAD v4.1: 17 of 1,614,002 alleles (0.0011%); highest among the groups gnomAD compares: Admixed American, 0.027%; no homozygotes.

Submissions (2):

Ambry Genetics
Classification: Uncertain significance for Inborn genetic diseases. Last evaluated: 2025-11-13. Review status: criteria provided, single submitter. Criteria: Ambry Variant Classification Scheme 2023. Collection method: clinical testing. Allele origin: germline.

GeneDx
Classification: Uncertain significance. Last evaluated: 2024-11-20. Review status: criteria provided, single submitter. Criteria: GeneDx Variant Classification Process June 2021. Collection method: clinical testing. Allele origin: germline. Affected: yes.
Comment: In silico analysis supports that this missense variant has a deleterious effect on protein structure/function; Has not been previously published as pathogenic or benign to our knowledge